The following is an entry in ClinVar:

ClinVar aggregate classification (germline): Conflicting classifications of pathogenicity. Review status: criteria provided, conflicting classifications (1 of 4 stars). 15 submissions from 15 submitters: Uncertain significance (2); Likely benign (9). 4 of the submissions do not count toward it. Last evaluated 2026-08-01.

Conditions:
WT1-related disorder. Also called: WT1-related disorders. Identifiers: MedGen CN377814.
Inborn genetic diseases. Identifiers: MedGen C0950123, MeSH D030342.
Wilms tumor 1 (WT1). Also called: Wilms tumor, somatic. Identifiers: Orphanet 654, MedGen CN033288, MONDO:0008679, OMIM 194070.
11p partial monosomy syndrome (WAGR). Also called: WAGR Spectrum Disorder; WAGR syndrome; CHROMOSOME 11p13 DELETION SYNDROME; WAGR Complex. Identifiers: Orphanet 893, MedGen C0206115, MONDO:0008681, OMIM 194072.
Frasier syndrome. Identifiers: Orphanet 347, MedGen C0950122, MeSH D052159, MONDO:0007635, OMIM 136680.
Drash syndrome (DDS). Also called: WILMS TUMOR AND PSEUDO- OR TRUE HERMAPHRODITISM; NEPHROPATHY, WILMS TUMOR, AND GENITAL ANOMALIES. Identifiers: Orphanet 220, MedGen C0950121, MONDO:0008682, OMIM 194080.
Hereditary cancer-predisposing syndrome. Also called: Hereditary neoplastic syndrome; Hereditary Cancer Syndrome; Neoplastic Syndromes, Hereditary; Tumor predisposition. Identifiers: Orphanet 140162, MedGen C0027672, MeSH D009386, MONDO:0015356.

Allele frequency attached by ClinVar (database versions not stated): ESP Exome Variant Server 0.00015; ExAC 0.00023; gnomAD exomes 0.00023 and 0.00027; gnomAD 0.00024 and 0.00034; TOPMed 0.00033.
gnomAD v4.1: 441 of 1,612,124 alleles (0.027%); highest among the groups gnomAD compares: Non-Finnish European, 0.033%; no homozygotes.

Submissions (15):

CeGaT Center for Human Genetics Tuebingen
Classification: Likely benign. Last evaluated: 2026-08-01. Review status: criteria provided, single submitter. Criteria: CeGaT Center For Human Genetics Tuebingen Variant Classification Criteria Version 2. Collection method: clinical testing. Allele origin: germline. Affected: yes. Observed: 2 variant alleles.
Comment: WT1: BP4

Labcorp Genetics (formerly Invitae), Labcorp
Classification: Likely benign for Wilms tumor 1; Drash syndrome; 11p partial monosomy syndrome; Frasier syndrome. Last evaluated: 2026-02-02. Review status: criteria provided, single submitter. Criteria: Invitae Variant Classification Sherloc (09022015). Collection method: clinical testing. Allele origin: germline.

Ambry Genetics
Classification: Likely benign for Inborn genetic diseases. Last evaluated: 2025-06-20. Review status: criteria provided, single submitter. Criteria: Ambry Variant Classification Scheme 2023. Collection method: clinical testing. Allele origin: germline.

Laboratory of Genetics, Children's Clinical University Hospital Latvia
Classification: Likely benign. Last evaluated: 2025-02-16. Review status: criteria provided, single submitter. Criteria: ACMG Guidelines, 2015. Collection method: clinical testing. Allele origin: germline. Affected: yes.

Color Diagnostics, LLC DBA Color Health
Classification: Likely benign for Wilms tumor 1. Last evaluated: 2022-06-01. Review status: criteria provided, single submitter. Criteria: ACMG Guidelines, 2015. Collection method: clinical testing. Allele origin: germline.

Institute for Clinical Genetics, University Hospital TU Dresden, University Hospital TU Dresden
Classification: Uncertain significance. Last evaluated: 2021-11-03. Review status: criteria provided, single submitter. Criteria: ACMG Guidelines, 2015. Collection method: clinical testing. Allele origin: germline.

Sema4
Classification: Likely benign for Hereditary cancer-predisposing syndrome. Last evaluated: 2021-09-01. Review status: criteria provided, single submitter. Criteria: Sema4 Curation Guidelines. Collection method: curation. Allele origin: germline.

GeneDx
Classification: Likely benign. Last evaluated: 2020-02-10. Review status: criteria provided, single submitter. Criteria: GeneDx Variant Classification Process June 2021. Collection method: clinical testing. Allele origin: germline. Affected: yes.
Comment: This variant is associated with the following publications: (PMID: 15591903)

Genetic Services Laboratory, University of Chicago
Classification: Likely benign. Last evaluated: 2019-09-19. Review status: criteria provided, single submitter. Criteria: ACMG Guidelines, 2015. Collection method: clinical testing. Allele origin: germline. Affected: no.

Mendelics
Classification: Likely benign for Drash syndrome. Last evaluated: 2019-05-28. Review status: criteria provided, single submitter. Criteria: Mendelics Assertion Criteria 2017. Collection method: clinical testing. Allele origin: unknown.

Laboratory for Molecular Medicine, Mass General Brigham Personalized Medicine
Classification: Uncertain significance. Last evaluated: 2016-03-31. Review status: criteria provided, single submitter. Criteria: LMM Criteria. Collection method: clinical testing. Allele origin: germline.
Comment: Variant identified in a genome or exome case(s) and assessed due to predicted null impact of the variant or pathogenic assertions in the literature or databases. Disclaimer: This variant has not undergone full assessment.

PreventionGenetics, part of Exact Sciences
Classification: Likely benign for WT1-related condition. Last evaluated: 2024-08-20. Review status: no assertion criteria provided. Collection method: clinical testing. Allele origin: germline. Not counted in ClinVar's aggregate classification.
Comment: This variant is classified as likely benign based on ACMG/AMP sequence variant interpretation guidelines (Richards et al. 2015 PMID: 25741868, with internal and published modifications).

Clinical Genetics DNA and cytogenetics Diagnostics Lab, Erasmus MC, Erasmus Medical Center
Classification: Likely benign. Review status: no assertion criteria provided. Collection method: clinical testing. Allele origin: germline. Affected: yes. Study: VKGL Data-share Consensus. Not counted in ClinVar's aggregate classification.

Genome Diagnostics Laboratory, Amsterdam University Medical Center
Classification: Likely benign. Review status: no assertion criteria provided. Collection method: clinical testing. Allele origin: germline. Affected: yes. Study: VKGL Data-share Consensus. Not counted in ClinVar's aggregate classification.

Laboratory of Diagnostic Genome Analysis, Leiden University Medical Center (LUMC)
Classification: Likely benign. Review status: no assertion criteria provided. Collection method: clinical testing. Allele origin: germline. Affected: yes. Study: VKGL Data-share Consensus. Not counted in ClinVar's aggregate classification.

NM_024426.6(WT1):c.662-6C>A

Gene: WT1 (WT1 transcription factor; minus strand). Cytogenetic location: 11p13.
Variant type: single nucleotide variant.
Coding change: c.662-6C>A on transcript NM_024426.6 (MANE Select); 6 bases into the intron before coding-DNA position 662, C replaced by A.
Molecular consequence: intron variant.
Genome position (GRCh38, 1-based): chr11:32,428,625, G>T on the plus strand (C>A on the coding strand, the complement: WT1 is on the minus strand). VCF-style: chr11-32428625-G-T. GRCh37 (hg19) VCF-style: chr11-32450171-G-T.
Other names: c.662-567C>A (NM_001407050.1, NM_001407047.1); c.662-6C>A (NM_001407048.1, NM_001407049.1, NM_000378.6 and 4 more transcripts); c.-101-6C>A (NM_001407051.1); c.11-6C>A (NM_001198552.2, NM_001198551.2).
Identifiers: ClinVar variation 241486 (VCV000241486.44), dbSNP rs372418954, ClinGen allele CA065416.